The following is an entry in ClinVar:

ClinVar aggregate classification (germline): Conflicting classifications of pathogenicity. Review status: criteria provided, conflicting classifications (1 of 4 stars). 5 submissions from 5 submitters: Uncertain significance (3); Likely benign (2). Last evaluated 2026-01-16.

Conditions:
Idiopathic Pulmonary Fibrosis. Also called: Idiopathic fibrosing alveolitis, chronic form; idiopathic fibrosing alveolitis. Identifiers: Orphanet 2032, MedGen C1800706, MeSH D054990, MONDO:0800504.
Dyskeratosis congenita, autosomal dominant 2. Identifiers: MedGen C3151443, MONDO:0013521, OMIM 613989.
Dyskeratosis congenita. Identifiers: Orphanet 1775, MedGen C0265965, MONDO:0015780.

Allele frequency attached by ClinVar (database versions not stated): gnomAD 0.00001 and 0.00002; gnomAD exomes 0.00002; TOPMed 0.00002.

Submissions (5):

Labcorp Genetics (formerly Invitae), Labcorp
Classification: Likely benign for Dyskeratosis congenita, autosomal dominant 2; Idiopathic Pulmonary Fibrosis. Last evaluated: 2026-01-16. Review status: criteria provided, single submitter. Criteria: Invitae Variant Classification Sherloc (09022015). Collection method: clinical testing. Allele origin: germline.

Ambry Genetics
Classification: Likely benign for Dyskeratosis congenita. Last evaluated: 2025-05-20. Review status: criteria provided, single submitter. Criteria: Ambry Variant Classification Scheme 2023. Collection method: clinical testing. Allele origin: germline.

GeneDx
Classification: Uncertain significance. Last evaluated: 2023-04-09. Review status: criteria provided, single submitter. Criteria: GeneDx Variant Classification Process June 2021. Collection method: clinical testing. Allele origin: germline. Affected: yes.
Comment: In silico analysis supports that this missense variant does not alter protein structure/function; Not observed in any cases, but was observed in cancer-free controls from a familial breast cancer study (Li et al., 2018); Published functional studies support no damaging effect: In vitro studies show the p.A615T variant does effect TERT activity (Xu et al., 2021); This variant is associated with the following publications: (PMID: 29316957, 33619289)

Genetic Services Laboratory, University of Chicago
Classification: Uncertain significance. Last evaluated: 2020-10-20. Review status: criteria provided, single submitter. Criteria: ACMG Guidelines, 2015. Collection method: clinical testing. Allele origin: germline. Affected: no.
Comment: DNA sequence analysis of the TERT gene demonstrated a sequence change, c.1843G>A, in exon 4 that results in an amino acid change, p.Ala615Thr. This sequence change does not appear to have been previously described in patients with TERT-related disorders and has been described in the gnomAD database in five individuals with a low overall population frequency of 0.002% (dbSNP rs112614087). The p.Ala615Thr change affects a poorly conserved amino acid residue located in a domain of the TERT protein that is known to be functional. The p.Ala615Thr substitution appears to be benign using several in-silico pathogenicity prediction tools (SIFT, PolyPhen2, Align GVGD, REVEL). Due to these contrasting evidences and the lack of functional studies, the clinical significance of the p.Ala615Thr change remains unknown at this time.

CeGaT Center for Human Genetics Tuebingen
Classification: Uncertain significance. Last evaluated: 2018-03-31. Review status: criteria provided, single submitter. Criteria: Praxis fuer Humangenetik Tuebingen - Variant Classification Criteria. Collection method: clinical testing. Allele origin: germline. Affected: yes. Observed: 2 variant alleles.

NM_198253.3(TERT):c.1843G>A (p.Ala615Thr)

Gene: TERT (telomerase reverse transcriptase; minus strand). Cytogenetic location: 5p15.33.
Variant type: single nucleotide variant.
Coding change: c.1843G>A on transcript NM_198253.3 (MANE Select); coding-DNA position 1843, G replaced by A.
Protein change: p.Ala615Thr; replaces alanine 615 with threonine.
Molecular consequence: missense variant. On other transcripts: non-coding transcript variant (2).
Genome position (GRCh38, 1-based): chr5:1,280,265, C>T on the plus strand (G>A on the coding strand, the complement: TERT is on the minus strand). VCF-style: chr5-1280265-C-T. GRCh37 (hg19) VCF-style: chr5-1280380-C-T.
Other names: c.1843G>A, p.Ala615Thr (NM_001193376.3); short protein forms A615T.
Identifiers: ClinVar variation 546969 (VCV000546969.18), dbSNP rs112614087, ClinGen allele CA112950366.